The following is an entry in ClinVar:

ClinVar aggregate classification (germline): Uncertain significance (1 of 4 stars; one submission).

Conditions:
AHDC1-related intellectual disability - obstructive sleep apnea - mild dysmorphism syndrome. Also called: Xia-Gibbs syndrome. Identifiers: Orphanet 412069, MedGen C4014419, MONDO:0014358, OMIM 615829.

gnomAD v4.1: 1 of 1,613,924 alleles (0.000062%); highest among the groups gnomAD compares: Non-Finnish European, 0.000085%; no homozygotes.

Submission:

OLLIN Analises Genomicas, OLLIN
Classification: Uncertain significance for AHDC1-related intellectual disability - obstructive sleep apnea - mild dysmorphism syndrome. Last evaluated: 2026-08-06. Review status: criteria provided, single submitter. Criteria: ACMG Guidelines 2015 PMID 25741868. Collection method: clinical testing. Allele origin: germline. Inheritance: Autosomal dominant inheritance.
Comment: This missense variant, located in exon 8 (of 9), has been reported in ClinVar (accession VCV000711822.37) and in gnomAD with an allele frequency of 0.000062%. However, to our knowledge, it has not been reported in the scientific literature. In silico analysis is inconclusive regarding the impact of this variant. According to the currently available evidence, this variant has been classified as uncertain significance (PM2_P).

NM_001371928.1(AHDC1):c.4021T>A (p.Cys1341Ser)

Gene: AHDC1 (AT-hook DNA binding motif containing 1; minus strand). Cytogenetic location: 1p36.11.
Variant type: single nucleotide variant.
Coding change: c.4021T>A on transcript NM_001371928.1 (MANE Select); coding-DNA position 4021, T replaced by A.
Protein change: p.Cys1341Ser; replaces cysteine 1341 with serine.
Molecular consequence: missense variant.
Genome position (GRCh38, 1-based): chr1:27,548,095, A>T on the plus strand (T>A on the coding strand, the complement: AHDC1 is on the minus strand). VCF-style: chr1-27548095-A-T. GRCh37 (hg19) VCF-style: chr1-27874606-A-T.
Other names: c.4021T>A, p.Cys1341Ser (NM_001029882.3); short protein forms C1341S.
Identifiers: ClinVar variation 5002996 (VCV005002996.1).
Genomic context (GRCh38, chr1:27,548,095, plus strand): 5'-GGCCAAAGGTGCCATCGGAAGGCGTGGACGGGTTCATGGAGTAGGGTCCTATGAAGTCAC[A>T]GGGGTCTCGCTCTCCCACGCCGAAGGCCCTCGACTGTGAGGGCAGTGGTGACATGCTGCT-3'
Protein context (NP_001358857.1, residues 1331-1351): RAFGVGERDP[Cys1341Ser]DFIGPYSMNP